The following is an entry in ClinVar:

ClinVar aggregate classification (germline): Uncertain significance (1 of 4 stars; one submission).

Allele frequency attached by ClinVar (database versions not stated): ExAC 0.00001; gnomAD 0.00001; TOPMed 0.00001; 1000 Genomes Project 30x 0.00016; 1000 Genomes Project 0.00020.
gnomAD v4.1: 3 of 1,614,196 alleles (0.00019%); highest among the groups gnomAD compares: Admixed American, 0.0033%; no homozygotes.

Submission:

Ambry Genetics
Classification: Uncertain significance. Last evaluated: 2024-02-25. Review status: criteria provided, single submitter. Criteria: Ambry Variant Classification Scheme 2023. Collection method: clinical testing. Allele origin: germline.
Comment: The p.E1029Q variant (also known as c.3085G>C), located in coding exon 4 of the ALPK2 gene, results from a G to C substitution at nucleotide position 3085. The glutamic acid at codon 1029 is replaced by glutamine, an amino acid with highly similar properties. This amino acid position is conserved. In addition, this alteration is predicted to be tolerated by in silico analysis. Since supporting evidence is limited at this time, the clinical significance of this alteration remains unclear.

NM_052947.4(ALPK2):c.3085G>C (p.Glu1029Gln)

Gene: ALPK2 (alpha kinase 2; minus strand). Cytogenetic location: 18q21.31.
Variant type: single nucleotide variant.
Coding change: c.3085G>C on transcript NM_052947.4 (MANE Select); coding-DNA position 3085, G replaced by C.
Protein change: p.Glu1029Gln; replaces glutamic acid 1029 with glutamine.
Molecular consequence: missense variant.
Genome position (GRCh38, 1-based): chr18:58,537,102, C>G on the plus strand (G>C on the coding strand, the complement: ALPK2 is on the minus strand). VCF-style: chr18-58537102-C-G. GRCh37 (hg19) VCF-style: chr18-56204334-C-G.
Other names: short protein forms E1029Q.
Identifiers: ClinVar variation 1727400 (VCV001727400.2), dbSNP rs562226184, ClinGen allele CA8976963.